The following is an entry in ClinVar:

ClinVar aggregate classification (germline): Uncertain significance (1 of 4 stars; one submission).

Conditions:
Brachydactyly-elbow wrist dysplasia syndrome. Also called: Liebenberg syndrome; Synostosis, carpal, with dysplastic elbow joints and brachydactyly; BRACHYDACTYLY WITH JOINT DYSPLASIA. Identifiers: Orphanet 1275, MedGen C1861313, MONDO:0008520, OMIM 186550.

Submission:

Victorian Clinical Genetics Services, Murdoch Childrens Research Institute
Classification: Uncertain significance for Brachydactyly-elbow wrist dysplasia syndrome. Last evaluated: 2020-10-19. Review status: criteria provided, single submitter. Criteria: ACMG Guidelines, 2015. Collection method: clinical testing. Allele origin: germline. Inheritance: Autosomal dominant inheritance. Affected: yes.
Comment: Based on the classification scheme VCGS_Germline_v1.3.3, this variant is classified as 3B-VUS. Following criteria are met: 0102 - Loss of function is a known mechanism of disease in this gene and is associated with Liebenberg syndrome (MIM#186550). (I) 0107 - This gene is associated with autosomal dominant disease. (I) 0200 - Variant is predicted to result in a missense amino acid change from tyrosine to histidine. (I) 0251 - This variant is heterozygous. (I) 0301 - Variant is absent from gnomAD (both v2 and v3). (SP) 0501 - Missense variant consistently predicted to be damaging by multiple in silico tools or highly conserved with a major amino acid change. (SP) 0604 - Variant is not located in an established domain, motif, hotspot or informative constraint region. (I) 0705 - No comparable missense variants have previous evidence for pathogenicity. (I) 0807 - This variant has no previous evidence of pathogenicity. (I) 0905 - No published segregation evidence has been identified for this variant. (I) 1007 - No published functional evidence has been identified for this variant. (I) 1208 - Inheritance information for this variant is not currently available in this individual. (I) Legend: (SP) - Supporting pathogenic, (I) - Information, (SB) - Supporting benign

NM_002653.5(PITX1):c.934T>C (p.Tyr312His)

Gene: PITX1 (paired like homeodomain 1; minus strand). Cytogenetic location: 5q31.1.
Variant type: single nucleotide variant.
Coding change: c.934T>C on transcript NM_002653.5 (MANE Select); coding-DNA position 934, T replaced by C.
Protein change: p.Tyr312His; replaces tyrosine 312 with histidine.
Molecular consequence: missense variant.
Genome position (GRCh38, 1-based): chr5:135,028,790, A>G on the plus strand (T>C on the coding strand, the complement: PITX1 is on the minus strand). VCF-style: chr5-135028790-A-G. GRCh37 (hg19) VCF-style: chr5-134364480-A-G.
Other names: short protein forms Y312H.
Identifiers: ClinVar variation 1806125 (VCV001806125.1), dbSNP rs2479667020, ClinGen allele CA361027205.